The following is an entry in ClinVar:

ClinVar aggregate classification (germline): Uncertain significance (1 of 4 stars; one submission).

Conditions:
Arrhythmogenic cardiomyopathy with wooly hair and keratoderma. Also called: PALMOPLANTAR KERATODERMA WITH LEFT VENTRICULAR CARDIOMYOPATHY AND WOOLLY HAIR; Carvajal syndrome; Dilated cardiomyopathy with woolly hair and keratoderma; Arrhythmogenic cardiomyopathy with woolly hair and keratoderma. Identifiers: Orphanet 65282, MedGen C1854063, MONDO:0011581, OMIM 605676.

gnomAD v4.1: 3 of 1,614,162 alleles (0.00019%); highest among the groups gnomAD compares: South Asian, 0.0033%; no homozygotes.

Submission:

All of Us Research Program, National Institutes of Health
Classification: Uncertain significance for Arrhythmogenic cardiomyopathy with wooly hair and keratoderma. Last evaluated: 2023-05-04. Review status: criteria provided, single submitter. Criteria: ACMG Guidelines, 2015. Collection method: clinical testing. Allele origin: germline. Inheritance: Autosomal dominant inheritance. Observed: 1 variant allele, 1 heterozygote.
Comment: This missense variant replaces isoleucine with valine at codon 533 of the DSP protein. Computational prediction suggests that this variant may not impact protein structure and function (internally defined REVEL score threshold <= 0.5, PMID: 27666373). To our knowledge, functional studies have not been reported for this variant. This variant has not been reported in individuals affected with DSP-related disorders in the literature. This variant has been identified in 2/251416 chromosomes in the general population by the Genome Aggregation Database (gnomAD). The available evidence is insufficient to determine the role of this variant in disease conclusively. Therefore, this variant is classified as a Variant of Uncertain Significance.

This study involves interpretation of variants in research participants for the purpose of population health screening. Participant phenotype was not available at the time of variant classification. Additional details can be found in publication PMID: 35346344, PMCID: PMC8962531

NM_004415.4(DSP):c.1597A>G (p.Ile533Val)

Gene: DSP (desmoplakin; plus strand). Cytogenetic location: 6p24.3.
Variant type: single nucleotide variant.
Coding change: c.1597A>G on transcript NM_004415.4 (MANE Select); coding-DNA position 1597, A replaced by G.
Protein change: p.Ile533Val; replaces isoleucine 533 with valine.
Molecular consequence: missense variant.
Genome position (GRCh38, 1-based): chr6:7,570,459, A>G. VCF-style: chr6-7570459-A-G. GRCh37 (hg19) VCF-style: chr6-7570692-A-G.
Other names: c.1597A>G, p.Ile533Val (NM_001008844.3, NM_001319034.2); short protein forms I533V.
Identifiers: ClinVar variation 3070646 (VCV003070646.1), dbSNP rs1210503344, ClinGen allele CA362678060.